The following is an entry in ClinVar:

NM_138395.4(MARS2):c.845C>T (p.Ala282Val)

Gene: MARS2 (methionyl-tRNA synthetase 2, mitochondrial; plus strand). Cytogenetic location: 2q33.1.
Variant type: single nucleotide variant.
Coding change: c.845C>T on transcript NM_138395.4 (MANE Select); coding-DNA position 845, C replaced by T.
Protein change: p.Ala282Val; replaces alanine 282 with valine.
Molecular consequence: missense variant.
Genome position (GRCh38, 1-based): chr2:197,706,250, C>T. VCF-style: chr2-197706250-C-T. GRCh37 (hg19) VCF-style: chr2-198570974-C-T.
Other names: short protein forms A282V.
Identifiers: ClinVar variation 3692422 (VCV003692422.2).
Genomic context (GRCh38, chr2:197,706,250, plus strand): 5'-TGCACTGGGGCATTCCGGTGCCCGGGGATGATTCGCAGACCATCTATGTATGGCTGGATG[C>T]CCTGGTCAACTACCTCACTGTAATTGGCTACCCAAATGCTGAGTTCAAATCTTGGTGGCC-3'
Protein context (NP_612404.1, residues 272-292): DSQTIYVWLD[Ala282Val]LVNYLTVIGY

ClinVar aggregate classification (germline): Uncertain significance (1 of 4 stars; one submission).

Submission:

Labcorp Genetics (formerly Invitae), Labcorp
Classification: Uncertain significance. Last evaluated: 2024-02-10. Review status: criteria provided, single submitter. Criteria: Invitae Variant Classification Sherloc (09022015). Collection method: clinical testing. Allele origin: germline.
Comment: This sequence change replaces alanine, which is neutral and non-polar, with valine, which is neutral and non-polar, at codon 282 of the MARS2 protein (p.Ala282Val). This variant is not present in population databases (gnomAD no frequency). This variant has not been reported in the literature in individuals affected with MARS2-related conditions. Advanced modeling of protein sequence and biophysical properties (such as structural, functional, and spatial information, amino acid conservation, physicochemical variation, residue mobility, and thermodynamic stability) performed at Invitae indicates that this missense variant is expected to disrupt MARS2 protein function with a positive predictive value of 80%. In summary, the available evidence is currently insufficient to determine the role of this variant in disease. Therefore, it has been classified as a Variant of Uncertain Significance.